The following is an entry in ClinVar:

ClinVar aggregate classification (germline): Uncertain significance (3 of 4 stars; one submission).

Conditions:
Open-angle glaucoma. Identifiers: MedGen C0017612, MONDO:0005338, HP:0012108.

Submission:

ClinGen Glaucoma Variant Curation Expert Panel
Classification: Uncertain significance for Open-angle glaucoma. Last evaluated: 2025-11-12. Review status: reviewed by expert panel. Criteria: ClinGen Glaucoma ACMG Specifications V2.0.0 Approved. Collection method: curation. Allele origin: germline. Inheritance: Autosomal dominant inheritance.
Comment: The c.997A>T variant in MYOC is a missense variant predicted to cause substitution of Serine by Cysteine at amino acid 333 (p.Ser333Cys). This variant was not found in any genetic ancestry group of gnomAD (v4.1.0), meeting the ≤ 0.0001 threshold set for PM2_Supporting in a genetic ancestry group of at least 10,000 alleles. The REVEL score = 0.568, which was neither above nor below the thresholds for PP3 (≥ 0.644) or BP4 (≤ 0.290), predicting a damaging or benign impact on MYOC function. There was no functional evidence predicting a damaging or benign impact of this variant on MYOC function. Only 1 proband with primary open angle glaucoma had been reported (PMID: 22933836), not meeting the ≥ 2 probands threshold required to meet PS4_Supporting. In summary, this variant met the criteria to receive a score of 1 and to be classified as a variant of uncertain significance (uncertain significance classification range -1 to 5, adapted from PMID: 32720330) for primary open angle glaucoma based on the ACMG/AMP criteria met, as specified by the ClinGen Glaucoma VCEP (v2.0.0, 5 Dec 2024): PM2_Supporting.

NM_000261.2(MYOC):c.997A>T (p.Ser333Cys)

Gene: MYOC (myocilin; minus strand). Cytogenetic location: 1q24.3.
Variant type: single nucleotide variant.
Coding change: c.997A>T on transcript NM_000261.2 (MANE Select); coding-DNA position 997, A replaced by T.
Protein change: p.Ser333Cys; replaces serine 333 with cysteine.
Molecular consequence: missense variant.
Genome position (GRCh38, 1-based): chr1:171,636,443, T>A on the plus strand (A>T on the coding strand, the complement: MYOC is on the minus strand). VCF-style: chr1-171636443-T-A. GRCh37 (hg19) VCF-style: chr1-171605583-T-A.
Other names: NM_000261.2:c.997A>T; short protein forms S333C.
Identifiers: ClinVar variation 2575097 (VCV002575097.2), dbSNP rs2527839397, ClinGen allele CA343725177.